The following is an entry in ClinVar:

ClinVar aggregate classification (germline): Uncertain significance (1 of 4 stars; one submission).

Conditions:
T-B+ severe combined immunodeficiency due to JAK3 deficiency. Also called: SCID, T CELL-NEGATIVE, B CELL-POSITIVE, NK CELL-NEGATIVE; SCID, autosomal recessive, T-negative/B-positive type. Identifiers: Orphanet 35078, MedGen C1833275, MONDO:0010938, OMIM 600802.

Allele frequency attached by ClinVar (database versions not stated): TOPMed 0.00003; gnomAD exomes 0.00005; ExAC 0.00002; gnomAD 0.00003; ESP Exome Variant Server 0.00008.
gnomAD v4.1: 81 of 1,613,874 alleles (0.005%); highest among the groups gnomAD compares: Non-Finnish European, 0.0068%; no homozygotes.

Submission:

Labcorp Genetics (formerly Invitae), Labcorp
Classification: Uncertain significance for T-B+ severe combined immunodeficiency due to JAK3 deficiency. Last evaluated: 2025-12-19. Review status: criteria provided, single submitter. Criteria: Invitae Variant Classification Sherloc (09022015). Collection method: clinical testing. Allele origin: germline.
Comment: This sequence change replaces glutamic acid, which is acidic and polar, with glycine, which is neutral and non-polar, at codon 1106 of the JAK3 protein (p.Glu1106Gly). This variant is present in population databases (rs374152339, gnomAD 0.005%). This variant has not been reported in the literature in individuals affected with JAK3-related conditions. ClinVar contains an entry for this variant (Variation ID: 1995590). An algorithm developed to predict the effect of missense changes on protein structure and function outputs the following: PolyPhen-2: "Benign". The glycine amino acid residue is found in multiple mammalian species, which suggests that this missense change does not adversely affect protein function. Experimental studies have shown that this missense change does not substantially affect JAK3 function (PMID: 25193870). In summary, the available evidence is currently insufficient to determine the role of this variant in disease. Therefore, it has been classified as a Variant of Uncertain Significance.

Literature cited by the submitters: PubMed 25193870.

NM_000215.4(JAK3):c.3317A>G (p.Glu1106Gly)

Gene: JAK3 (Janus kinase 3; minus strand). Cytogenetic location: 19p13.11.
Variant type: single nucleotide variant.
Coding change: c.3317A>G on transcript NM_000215.4 (MANE Select); coding-DNA position 3317, A replaced by G.
Protein change: p.Glu1106Gly; replaces glutamic acid 1106 with glycine.
Molecular consequence: missense variant.
Genome position (GRCh38, 1-based): chr19:17,826,801, T>C on the plus strand (A>G on the coding strand, the complement: JAK3 is on the minus strand). VCF-style: chr19-17826801-T-C. GRCh37 (hg19) VCF-style: chr19-17937610-T-C.
Other names: short protein forms E1106G.
Identifiers: ClinVar variation 1995590 (VCV001995590.2), dbSNP rs374152339, ClinGen allele CA9301348.